The following is an entry in ClinVar:

ClinVar aggregate classification (germline): Uncertain significance (1 of 4 stars; one submission).

Conditions:
Rafiq syndrome (RAFQS). Identifiers: Orphanet 88616, MedGen C3280127, MONDO:0013624, OMIM 614202.

Allele frequency attached by ClinVar (database versions not stated): gnomAD exomes below 0.00001; ExAC 0.00001.
gnomAD v4.1: 2 of 1,613,824 alleles (0.00012%); highest among the groups gnomAD compares: South Asian, 0.0022%; no homozygotes.

Submission:

Labcorp Genetics (formerly Invitae), Labcorp
Classification: Uncertain significance for Rafiq syndrome. Last evaluated: 2022-01-13. Review status: criteria provided, single submitter. Criteria: Invitae Variant Classification Sherloc (09022015). Collection method: clinical testing. Allele origin: germline.
Comment: In summary, the available evidence is currently insufficient to determine the role of this variant in disease. Therefore, it has been classified as a Variant of Uncertain Significance. This variant is present in population databases (rs756197449, gnomAD 0.003%). This sequence change replaces lysine, which is basic and polar, with asparagine, which is neutral and polar, at codon 354 of the MAN1B1 protein (p.Lys354Asn). This variant has not been reported in the literature in individuals affected with MAN1B1-related conditions. Algorithms developed to predict the effect of missense changes on protein structure and function are either unavailable or do not agree on the potential impact of this missense change (SIFT: "Deleterious"; PolyPhen-2: "Probably Damaging"; Align-GVGD: "Class C0").

NM_016219.5(MAN1B1):c.1062A>C (p.Lys354Asn)

Gene: MAN1B1 (mannosidase alpha class 1B member 1; plus strand). Cytogenetic location: 9q34.3.
Variant type: single nucleotide variant.
Coding change: c.1062A>C on transcript NM_016219.5 (MANE Select); coding-DNA position 1062, A replaced by C.
Protein change: p.Lys354Asn; replaces lysine 354 with asparagine.
Molecular consequence: missense variant. On other transcripts: non-coding transcript variant (2).
Genome position (GRCh38, 1-based): chr9:137,101,150, A>C. VCF-style: chr9-137101150-A-C. GRCh37 (hg19) VCF-style: chr9-139995602-A-C.
Other names: short protein forms K354N.
Identifiers: ClinVar variation 1426626 (VCV001426626.6), dbSNP rs756197449, ClinGen allele CA5358881.